The following is an entry in ClinVar:

NM_001430.5(EPAS1):c.2465T>A (p.Met822Lys)

Gene: EPAS1 (endothelial PAS domain protein 1; plus strand). Cytogenetic location: 2p21.
Variant type: single nucleotide variant.
Coding change: c.2465T>A on transcript NM_001430.5 (MANE Select); coding-DNA position 2465, T replaced by A.
Protein change: p.Met822Lys; replaces methionine 822 with lysine.
Molecular consequence: missense variant.
Genome position (GRCh38, 1-based): chr2:46,384,512, T>A. VCF-style: chr2-46384512-T-A. GRCh37 (hg19) VCF-style: chr2-46611651-T-A.
Other names: short protein forms M822K.
Identifiers: ClinVar variation 1791680 (VCV001791680.2), dbSNP rs760246223, ClinGen allele CA346706624.

ClinVar aggregate classification (germline): Uncertain significance (1 of 4 stars; one submission).

Conditions:
Inborn genetic diseases. Identifiers: MedGen C0950123, MeSH D030342.

gnomAD v4.1: 1 of 1,614,208 alleles (0.000062%); highest among the groups gnomAD compares: Non-Finnish European, 0.000085%; no homozygotes.

Submission:

Ambry Genetics
Classification: Uncertain significance for Inborn genetic diseases. Last evaluated: 2021-12-06. Review status: criteria provided, single submitter. Criteria: Ambry Variant Classification Scheme 2023. Collection method: clinical testing. Allele origin: germline.
Comment: The p.M822K variant (also known as c.2465T>A), located in coding exon 16 of the EPAS1 gene, results from a T to A substitution at nucleotide position 2465. The methionine at codon 822 is replaced by lysine, an amino acid with similar properties. This amino acid position is conserved. In addition, the in silico prediction for this alteration is inconclusive. Since supporting evidence is limited at this time, the clinical significance of this alteration remains unclear.